The following is an entry in ClinVar:

NM_006302.3(MOGS):c.839G>C (p.Arg280Pro)

Gene: MOGS (mannosyl-oligosaccharide glucosidase; minus strand). Cytogenetic location: 2p13.1.
Variant type: single nucleotide variant.
Coding change: c.839G>C on transcript NM_006302.3 (MANE Select); coding-DNA position 839, G replaced by C.
Protein change: p.Arg280Pro; replaces arginine 280 with proline.
Molecular consequence: missense variant.
Genome position (GRCh38, 1-based): chr2:74,462,950, C>G on the plus strand (G>C on the coding strand, the complement: MOGS is on the minus strand). VCF-style: chr2-74462950-C-G. GRCh37 (hg19) VCF-style: chr2-74690077-C-G.
Other names: c.521G>C, p.Arg174Pro (NM_001146158.2); c.839G>C (NM_006302.2); short protein forms R280P, R174P.
Identifiers: ClinVar variation 1959635 (VCV001959635.6), dbSNP rs571061699, ClinGen allele CA347379027.

ClinVar aggregate classification (germline): Uncertain significance. Review status: criteria provided, multiple submitters, no conflicts (2 of 4 stars). 2 submissions from 2 submitters: Uncertain significance (2). Last evaluated 2025-11-24.

Conditions:
Inborn genetic diseases. Identifiers: MedGen C0950123, MeSH D030342.
MOGS-congenital disorder of glycosylation. Also called: CDG IIb; MOGS-CDG; GLUCOSIDASE I DEFICIENCY; CDG 2B. Identifiers: Orphanet 79330, MedGen C1853736, MONDO:0011629, OMIM 606056.

gnomAD v4.1: 2 of 1,614,166 alleles (0.00012%); highest among the groups gnomAD compares: Admixed American, 0.0033%; no homozygotes.

Submissions (2):

Ambry Genetics
Classification: Uncertain significance for Inborn genetic diseases. Last evaluated: 2025-11-24. Review status: criteria provided, single submitter. Criteria: Ambry Variant Classification Scheme 2023. Collection method: clinical testing. Allele origin: germline.

Labcorp Genetics (formerly Invitae), Labcorp
Classification: Uncertain significance for MOGS-congenital disorder of glycosylation. Last evaluated: 2024-10-16. Review status: criteria provided, single submitter. Criteria: Invitae Variant Classification Sherloc (09022015). Collection method: clinical testing. Allele origin: germline.
Comment: This sequence change replaces arginine, which is basic and polar, with proline, which is neutral and non-polar, at codon 280 of the MOGS protein (p.Arg280Pro). This variant is not present in population databases (gnomAD no frequency). This variant has not been reported in the literature in individuals affected with MOGS-related conditions. ClinVar contains an entry for this variant (Variation ID: 1959635). Invitae Evidence Modeling of protein sequence and biophysical properties (such as structural, functional, and spatial information, amino acid conservation, physicochemical variation, residue mobility, and thermodynamic stability) indicates that this missense variant is not expected to disrupt MOGS protein function with a negative predictive value of 80%. Algorithms developed to predict the effect of sequence changes on RNA splicing suggest that this variant may create or strengthen a splice site. In summary, the available evidence is currently insufficient to determine the role of this variant in disease. Therefore, it has been classified as a Variant of Uncertain Significance.